The following is an entry in ClinVar:

NM_000143.4(FH):c.905-20G>T

Gene: FH (fumarate hydratase; minus strand). Cytogenetic location: 1q43.
Variant type: single nucleotide variant.
Coding change: c.905-20G>T on transcript NM_000143.4 (MANE Select); 20 bases into the intron before coding-DNA position 905, G replaced by T.
Molecular consequence: intron variant.
Genome position (GRCh38, 1-based): chr1:241,504,265, C>A on the plus strand (G>T on the coding strand, the complement: FH is on the minus strand). VCF-style: chr1-241504265-C-A. GRCh37 (hg19) VCF-style: chr1-241667565-C-A.
Identifiers: ClinVar variation 3773038 (VCV003773038.2).

ClinVar aggregate classification (germline): Likely benign. Review status: criteria provided, multiple submitters, no conflicts (2 of 4 stars). 2 submissions from 2 submitters: Likely benign (2). Last evaluated 2025-10-26.

Conditions:
Hereditary leiomyomatosis and renal cell cancer. Also called: MULTIPLE CUTANEOUS AND UTERINE LEIOMYOMATA 1, WITH OR WITHOUT RENAL CELL CARCINOMA; LEIOMYOMA, MULTIPLE CUTANEOUS; FH tumor predisposition syndrome; Reed syndrome; Multiple cutaneous and uterine leiomyomatosis; Cutaneous leiomyomata with uterine leiomyomata. Identifiers: Orphanet 523, MedGen C1708350, MONDO:0007888, OMIM 150800, HP:0007437. Disease mechanism: loss of function.

gnomAD v4.1: 2 of 1,603,306 alleles (0.00012%); highest among the groups gnomAD compares: Non-Finnish European, 0.000085%; no homozygotes.

Submissions (2):

Labcorp Genetics (formerly Invitae), Labcorp
Classification: Likely benign. Last evaluated: 2025-10-26. Review status: criteria provided, single submitter. Criteria: Invitae Variant Classification Sherloc (09022015). Collection method: clinical testing. Allele origin: germline.

Myriad Genetics, Inc.
Classification: Likely benign for Hereditary leiomyomatosis and renal cell cancer. Last evaluated: 2024-10-18. Review status: criteria provided, single submitter. Criteria: Myriad Autosomal Dominant, Autosomal Recessive and X-Linked Classification Criteria (2023). Collection method: clinical testing. Allele origin: unknown.
Comment: This variant is considered likely benign. This variant is intronic and is not expected to impact mRNA splicing.